The following is an entry in ClinVar:

NM_005862.3(STAG1):c.2077T>C (p.Ser693Pro)

Gene: STAG1 (STAG1 cohesin complex component; minus strand). Cytogenetic location: 3q22.3.
Variant type: single nucleotide variant.
Coding change: c.2077T>C on transcript NM_005862.3 (MANE Select); coding-DNA position 2077, T replaced by C.
Protein change: p.Ser693Pro; replaces serine 693 with proline.
Molecular consequence: missense variant.
Genome position (GRCh38, 1-based): chr3:136,421,124, A>G on the plus strand (T>C on the coding strand, the complement: STAG1 is on the minus strand). VCF-style: chr3-136421124-A-G. GRCh37 (hg19) VCF-style: chr3-136139966-A-G.
Other names: short protein forms S693P.
Identifiers: ClinVar variation 1028432 (VCV001028432.1), dbSNP rs1296664528, ClinGen allele CA354643410.

ClinVar aggregate classification (germline): Uncertain significance (1 of 4 stars; one submission).

Conditions:
Intellectual developmental disorder, autosomal dominant 47. Also called: Intellectual disability, autosomal dominant 47; MENTAL RETARDATION, AUTOSOMAL DOMINANT 47. Identifiers: Orphanet 502434, MedGen C4539951, MONDO:0030912, OMIM 617635.

Allele frequency attached by ClinVar (database versions not stated): gnomAD exomes below 0.00001.
gnomAD v4.1: 1 of 1,607,708 alleles (0.000062%); highest among the groups gnomAD compares: Non-Finnish European, 0.000085%; no homozygotes.

Submission:

Baylor Genetics
Classification: Uncertain significance for Intellectual developmental disorder, autosomal dominant 47. Last evaluated: 2020-04-06. Review status: criteria provided, single submitter. Criteria: ACMG Guidelines, 2015. Collection method: clinical testing. Allele origin: unknown. Affected: yes.
Comment: This variant was determined to be of uncertain significance according to ACMG Guidelines, 2015 [PMID:25741868].